The following is an entry in ClinVar:

NM_000218.3(KCNQ1):c.1514+25804G>A

Genes: KCNQ1 (potassium voltage-gated channel subfamily Q member 1; plus strand), KCNQ1OT1 (KCNQ1 opposite strand/antisense transcript 1; minus strand). Cytogenetic location: 11p15.5.
Variant type: single nucleotide variant.
Coding change: c.1514+25804G>A on transcript NM_000218.3 (MANE Select); 25804 bases into the intron after coding-DNA position 1514, G replaced by A.
Molecular consequence: intron variant.
Genome position (GRCh38, 1-based): chr11:2,687,885, G>A. VCF-style: chr11-2687885-G-A. GRCh37 (hg19) VCF-style: chr11-2709115-G-A.
Other names: c.1244+25804G>A (NM_001406837.1); c.1418+25804G>A (NM_001406836.1); c.974+25804G>A (NM_001406838.1); c.1133+25804G>A (NM_181798.2).
Identifiers: ClinVar variation 1694625 (VCV001694625.32), dbSNP rs180959759, ClinGen allele CA216190115.

ClinVar aggregate classification (germline): Benign/Likely benign. Review status: criteria provided, multiple submitters, no conflicts (2 of 4 stars). 2 submissions from 2 submitters: Benign (1); Likely benign (1). Last evaluated 2026-09-01.

Allele frequency attached by ClinVar (database versions not stated): 1000 Genomes Project 30x 0.00312; TOPMed 0.00585; gnomAD 0.00734 and 0.00750; gnomAD exomes 0.00918; 1000 Genomes Project 0.00220.
gnomAD v4.1: 3,325 of 398,688 alleles (0.83%); highest among the groups gnomAD compares: Non-Finnish European, 1%; 18 homozygotes.

Submissions (2):

CeGaT Center for Human Genetics Tuebingen
Classification: Benign. Last evaluated: 2026-09-01. Review status: criteria provided, single submitter. Criteria: CeGaT Center For Human Genetics Tuebingen Variant Classification Criteria Version 2. Collection method: clinical testing. Allele origin: germline. Affected: yes. Observed: 67 variant alleles.
Comment: KCNQ1OT1: BS1, BS2; KCNQ1: BS1, BS2

Blueprint Genetics
Classification: Likely benign. Last evaluated: 2024-11-25. Review status: criteria provided, single submitter. Criteria: ACMG Guidelines, 2015. Collection method: clinical testing. Allele origin: germline.